The following is an entry in ClinVar:

ClinVar aggregate classification (germline): Likely benign. Review status: criteria provided, multiple submitters, no conflicts (2 of 4 stars). 2 submissions from 2 submitters: Likely benign (2). Last evaluated 2023-04-13.

Allele frequency attached by ClinVar (database versions not stated): TOPMed below 0.00001; ExAC 0.00001; gnomAD 0.00001; gnomAD exomes 0.00001; 1000 Genomes Project 0.00020; 1000 Genomes Project 30x 0.00031.
gnomAD v4.1: 16 of 1,613,966 alleles (0.00099%); highest among the groups gnomAD compares: Non-Finnish European, 0.0014%; no homozygotes.

Submissions (2):

Labcorp Genetics (formerly Invitae), Labcorp
Classification: Likely benign. Last evaluated: 2023-04-13. Review status: criteria provided, single submitter. Criteria: Invitae Variant Classification Sherloc (09022015). Collection method: clinical testing. Allele origin: germline.

GeneDx
Classification: Likely benign. Last evaluated: 2016-08-18. Review status: criteria provided, single submitter. Criteria: GeneDx Variant Classification (06012015). Collection method: clinical testing. Allele origin: germline. Affected: yes.
Comment: This variant is considered likely benign or benign based on one or more of the following criteria: it is a conservative change, it occurs at a poorly conserved position in the protein, it is predicted to be benign by multiple in silico algorithms, and/or has population frequency not consistent with disease.

NM_000391.4(TPP1):c.1146-18G>A

Gene: TPP1 (tripeptidyl peptidase 1; minus strand). Cytogenetic location: 11p15.4.
Variant type: single nucleotide variant.
Coding change: c.1146-18G>A on transcript NM_000391.4 (MANE Select); 18 bases into the intron before coding-DNA position 1146, G replaced by A.
Molecular consequence: intron variant.
Genome position (GRCh38, 1-based): chr11:6,615,580, C>T on the plus strand (G>A on the coding strand, the complement: TPP1 is on the minus strand). VCF-style: chr11-6615580-C-T. GRCh37 (hg19) VCF-style: chr11-6636811-C-T.
Identifiers: ClinVar variation 388789 (VCV000388789.4), dbSNP rs72909098, ClinGen allele CA5858715.